The following is an entry in ClinVar:

ClinVar aggregate classification (germline): Conflicting classifications of pathogenicity. Review status: criteria provided, conflicting classifications (1 of 4 stars). 3 submissions from 3 submitters: Uncertain significance (2); Likely benign (1). Last evaluated 2024-11-27.

Conditions:
Hereditary breast ovarian cancer syndrome. Also called: Hereditary breast and ovarian cancer; Hereditary breast and ovarian cancer syndrome (HBOC); BRCA1- and BRCA2-Associated Hereditary Breast and Ovarian Cancer; Hereditary breast and ovarian cancer syndrome; Hereditary breast and/or ovarian cancer syndrome; Breast and ovarian cancer. Identifiers: Orphanet 145, MedGen C0677776, MeSH D061325, MONDO:0003582. Disease mechanism: loss of function.
Hereditary cancer-predisposing syndrome. Also called: Neoplastic Syndromes, Hereditary; Tumor predisposition; Hereditary Cancer Syndrome; Hereditary neoplastic syndrome. Identifiers: Orphanet 140162, MedGen C0027672, MeSH D009386, MONDO:0015356.

Submissions (3):

Labcorp Genetics (formerly Invitae), Labcorp
Classification: Uncertain significance for Hereditary breast ovarian cancer syndrome. Last evaluated: 2024-11-27. Review status: criteria provided, single submitter. Criteria: Invitae Variant Classification Sherloc (09022015). Collection method: clinical testing. Allele origin: germline.
Comment: This sequence change replaces histidine, which is basic and polar, with glutamine, which is neutral and polar, at codon 971 of the BRCA1 protein (p.His971Gln). This variant is not present in population databases (gnomAD no frequency). This variant has not been reported in the literature in individuals affected with BRCA1-related conditions. ClinVar contains an entry for this variant (Variation ID: 638983). Invitae Evidence Modeling of protein sequence and biophysical properties (such as structural, functional, and spatial information, amino acid conservation, physicochemical variation, residue mobility, and thermodynamic stability) indicates that this missense variant is not expected to disrupt BRCA1 protein function with a negative predictive value of 80%. In summary, the available evidence is currently insufficient to determine the role of this variant in disease. Therefore, it has been classified as a Variant of Uncertain Significance.

Ambry Genetics
Classification: Uncertain significance for Hereditary cancer-predisposing syndrome. Last evaluated: 2024-06-06. Review status: criteria provided, single submitter. Criteria: Ambry Variant Classification Scheme 2023. Collection method: clinical testing. Allele origin: germline.
Comment: The p.H971Q variant (also known as c.2913T>G), located in coding exon 9 of the BRCA1 gene, results from a T to G substitution at nucleotide position 2913. The histidine at codon 971 is replaced by glutamine, an amino acid with highly similar properties. This amino acid position is not well conserved in available vertebrate species. In addition, the in silico prediction for this alteration is inconclusive. Since supporting evidence is limited at this time, the clinical significance of this alteration remains unclear.

University of Washington Department of Laboratory Medicine, University of Washington
Classification: Likely benign for Hereditary cancer-predisposing syndrome. Last evaluated: 2023-03-23. Review status: criteria provided, single submitter. Criteria: Dines et al. (Genet Med. 2020). Collection method: curation. Allele origin: germline.
Comment: Missense variant in a coldspot region where missense variants are very unlikely to be pathogenic (PMID:31911673).

BRCA1 coldspot (exon 11 using historical exon numbering). Reclassification based on statistical prior probability

NM_007294.4(BRCA1):c.2913T>G (p.His971Gln)

Gene: BRCA1 (BRCA1 DNA repair associated; minus strand). Cytogenetic location: 17q21.31.
Variant type: single nucleotide variant.
Coding change: c.2913T>G on transcript NM_007294.4 (MANE Select); coding-DNA position 2913, T replaced by G.
Protein change: p.His971Gln; replaces histidine 971 with glutamine.
Molecular consequence: missense variant. On other transcripts: intron variant (137).
Genome position (GRCh38, 1-based): chr17:43,092,618, A>C on the plus strand (T>G on the coding strand, the complement: BRCA1 is on the minus strand). VCF-style: chr17-43092618-A-C. GRCh37 (hg19) VCF-style: chr17-41244635-A-C.
Other names: c.2787T>G, p.His929Gln (NM_001407672.1, NM_001407673.1, NM_001407685.1 and 11 more transcripts); c.665-1586T>G (NM_001408441.1, NM_001408437.1, NM_001408429.1 and 12 more transcripts); c.788-1586T>G (NM_001407979.1, NM_001407977.1, NM_001407982.1 and 17 more transcripts); c.647-1586T>G (NM_001408410.1, NM_001408458.1, NM_001408469.1 and 11 more transcripts); c.710-1586T>G (NM_001408415.1, NM_001408412.1, NM_001408409.1 and 2 more transcripts); c.578-1586T>G (NM_001408483.1, NM_001408481.1, NM_001408480.1 and 9 more transcripts); c.2790T>G, p.His930Gln (NM_001407681.1, NM_001407682.1, NM_001407683.1 and 19 more transcripts); c.2913T>G, p.His971Gln (NM_001407684.1, NM_001407581.1, NM_001407582.1 and 30 more transcripts); and 41 more; short protein forms H971Q, H924Q, H675Q, H843Q, H901Q, H903Q, H923Q, H968Q.
Identifiers: ClinVar variation 638983 (VCV000638983.15), dbSNP rs786203804, ClinGen allele CA10596165.